The following is an entry in ClinVar:

ClinVar aggregate classification (germline): Uncertain significance (1 of 4 stars; one submission).

Allele frequency attached by ClinVar (database versions not stated): gnomAD exomes 0.00001; ExAC 0.00003; TOPMed 0.00005; gnomAD 0.00007.
gnomAD v4.1: 25 of 1,613,792 alleles (0.0015%); highest among the groups gnomAD compares: Admixed American, 0.012%; no homozygotes.

Submission:

Labcorp Genetics (formerly Invitae), Labcorp
Classification: Uncertain significance. Last evaluated: 2024-07-29. Review status: criteria provided, single submitter. Criteria: Invitae Variant Classification Sherloc (09022015). Collection method: clinical testing. Allele origin: germline.
Comment: This sequence change replaces arginine, which is basic and polar, with histidine, which is basic and polar, at codon 1506 of the OBSL1 protein (p.Arg1506His). This variant is present in population databases (rs745541555, gnomAD 0.006%). This variant has not been reported in the literature in individuals affected with OBSL1-related conditions. An algorithm developed to predict the effect of missense changes on protein structure and function (PolyPhen-2) suggests that this variant is likely to be disruptive. In summary, the available evidence is currently insufficient to determine the role of this variant in disease. Therefore, it has been classified as a Variant of Uncertain Significance.

NM_015311.3(OBSL1):c.4517G>A (p.Arg1506His)

Gene: OBSL1 (obscurin like cytoskeletal adaptor 1; minus strand). Cytogenetic location: 2q35.
Variant type: single nucleotide variant.
Coding change: c.4517G>A on transcript NM_015311.3 (MANE Select); coding-DNA position 4517, G replaced by A.
Protein change: p.Arg1506His; replaces arginine 1506 with histidine.
Molecular consequence: missense variant.
Genome position (GRCh38, 1-based): chr2:219,556,112, C>T on the plus strand (G>A on the coding strand, the complement: OBSL1 is on the minus strand). VCF-style: chr2-219556112-C-T. GRCh37 (hg19) VCF-style: chr2-220420834-C-T.
Other names: c.4517G>A, p.Arg1506His (NM_001173431.2); short protein forms R1506H.
Identifiers: ClinVar variation 2967977 (VCV002967977.3), dbSNP rs745541555, ClinGen allele CA2130520.